The following is an entry in ClinVar:

ClinVar aggregate classification (germline): Uncertain significance (1 of 4 stars; one submission).

Allele frequency attached by ClinVar (database versions not stated): gnomAD exomes below 0.00001; TOPMed below 0.00001; ExAC 0.00001.

Submission:

Labcorp Genetics (formerly Invitae), Labcorp
Classification: Uncertain significance. Last evaluated: 2021-07-28. Review status: criteria provided, single submitter. Criteria: Invitae Variant Classification Sherloc (09022015). Collection method: clinical testing. Allele origin: germline.
Comment: In summary, the available evidence is currently insufficient to determine the role of this variant in disease. Therefore, it has been classified as a Variant of Uncertain Significance. Advanced modeling of protein sequence and biophysical properties (such as structural, functional, and spatial information, amino acid conservation, physicochemical variation, residue mobility, and thermodynamic stability) performed at Invitae indicates that this missense variant is not expected to disrupt ROR2 protein function. This variant has not been reported in the literature in individuals affected with ROR2-related conditions. This variant is present in population databases (rs779855786, ExAC 0.01%). This sequence change replaces alanine with proline at codon 905 of the ROR2 protein (p.Ala905Pro). The alanine residue is highly conserved and there is a small physicochemical difference between alanine and proline.

NM_004560.4(ROR2):c.2713G>C (p.Ala905Pro)

Gene: ROR2 (receptor tyrosine kinase like orphan receptor 2; minus strand). Cytogenetic location: 9q22.31.
Variant type: single nucleotide variant.
Coding change: c.2713G>C on transcript NM_004560.4 (MANE Select); coding-DNA position 2713, G replaced by C.
Protein change: p.Ala905Pro; replaces alanine 905 with proline.
Molecular consequence: missense variant.
Genome position (GRCh38, 1-based): chr9:91,723,781, C>G on the plus strand (G>C on the coding strand, the complement: ROR2 is on the minus strand). VCF-style: chr9-91723781-C-G. GRCh37 (hg19) VCF-style: chr9-94486063-C-G.
Other names: short protein forms A905P.
Identifiers: ClinVar variation 1364970 (VCV001364970.6), dbSNP rs779855786, ClinGen allele CA5120326.